The following is an entry in ClinVar:

NM_006019.4(TCIRG1):c.1516G>A (p.Gly506Ser)

Gene: TCIRG1 (T cell immune regulator 1, ATPase H+ transporting V0 subunit a3; plus strand). Cytogenetic location: 11q13.2.
Variant type: single nucleotide variant.
Coding change: c.1516G>A on transcript NM_006019.4 (MANE Select); coding-DNA position 1516, G replaced by A.
Protein change: p.Gly506Ser; replaces glycine 506 with serine.
Molecular consequence: missense variant.
Genome position (GRCh38, 1-based): chr11:68,047,934, G>A. VCF-style: chr11-68047934-G-A. GRCh37 (hg19) VCF-style: chr11-67815401-G-A.
Other names: c.1516G>A (NM_006019.3); c.622G>A, p.Gly208Ser (NM_001351059.2); c.868G>A, p.Gly290Ser (NM_006053.4); short protein forms G208S, G506S, G290S.
Identifiers: ClinVar variation 1348843 (VCV001348843.7), dbSNP rs747692743, ClinGen allele CA6147150.
Genomic context (GRCh38, chr11:68,047,934, plus strand): 5'-TGCCGCAGTGATGCATTCCTGGCCCAGCACACGATGCTTACCCTGGATCCCAACGTCACC[G>A]GTGTCTTCCTGGGACCCTACCCCTTTGGCATCGATCCTGTGAGTCCTGGGATGGAGTGTC-3'
Protein context (NP_006010.2, residues 496-516): TMLTLDPNVT[Gly506Ser]VFLGPYPFGI

ClinVar aggregate classification (germline): Uncertain significance. Review status: criteria provided, multiple submitters, no conflicts (2 of 4 stars). 2 submissions from 2 submitters: Uncertain significance (2). Last evaluated 2025-12-18.

Conditions:
Inborn genetic diseases. Identifiers: MedGen C0950123, MeSH D030342.

Allele frequency attached by ClinVar (database versions not stated): gnomAD 0.00006; gnomAD exomes 0.00001; ExAC 0.00002; TOPMed 0.00005.
gnomAD v4.1: 23 of 1,613,702 alleles (0.0014%); highest among the groups gnomAD compares: Middle Eastern, 0.016%; no homozygotes.

Submissions (2):

Labcorp Genetics (formerly Invitae), Labcorp
Classification: Uncertain significance. Last evaluated: 2025-12-18. Review status: criteria provided, single submitter. Criteria: Invitae Variant Classification Sherloc (09022015). Collection method: clinical testing. Allele origin: germline.
Comment: This sequence change replaces glycine, which is neutral and non-polar, with serine, which is neutral and polar, at codon 506 of the TCIRG1 protein (p.Gly506Ser). This variant is present in population databases (rs747692743, gnomAD 0.005%). This variant has not been reported in the literature in individuals affected with TCIRG1-related conditions. ClinVar contains an entry for this variant (Variation ID: 1348843). Invitae Evidence Modeling of protein sequence and biophysical properties (such as structural, functional, and spatial information, amino acid conservation, physicochemical variation, residue mobility, and thermodynamic stability) indicates that this missense variant is not expected to disrupt TCIRG1 protein function with a negative predictive value of 80%. In summary, the available evidence is currently insufficient to determine the role of this variant in disease. Therefore, it has been classified as a Variant of Uncertain Significance.

Ambry Genetics
Classification: Uncertain significance for Inborn genetic diseases. Last evaluated: 2023-08-22. Review status: criteria provided, single submitter. Criteria: Ambry Variant Classification Scheme 2023. Collection method: clinical testing. Allele origin: germline.